The following is an entry in ClinVar:

ClinVar aggregate classification (germline): Likely benign. Review status: criteria provided, single submitter (1 of 4 stars). 2 submissions from 2 submitters: Likely benign (1). 1 of the submissions does not count toward it. Last evaluated 2026-08-01.

Conditions:
EIF4A2-related disorder. Also called: EIF4A2-related condition.

Allele frequency attached by ClinVar (database versions not stated): ExAC 0.00005; TOPMed 0.00013; 1000 Genomes Project 30x 0.00016; gnomAD 0.00016; 1000 Genomes Project 0.00020; ESP Exome Variant Server 0.00023; gnomAD exomes 0.00027.
gnomAD v4.1: 432 of 1,614,166 alleles (0.027%); highest among the groups gnomAD compares: Non-Finnish European, 0.033%; no homozygotes.

Submissions (2):

CeGaT Center for Human Genetics Tuebingen
Classification: Likely benign. Last evaluated: 2026-08-01. Review status: criteria provided, single submitter. Criteria: CeGaT Center For Human Genetics Tuebingen Variant Classification Criteria Version 2. Collection method: clinical testing. Allele origin: germline. Affected: yes. Observed: 1 variant allele.
Comment: EIF4A2: BP4, BP7

PreventionGenetics, part of Exact Sciences
Classification: Likely benign for EIF4A2-related condition. Last evaluated: 2019-04-25. Review status: no assertion criteria provided. Collection method: clinical testing. Allele origin: germline. Not counted in ClinVar's aggregate classification.
Comment: This variant is classified as likely benign based on ACMG/AMP sequence variant interpretation guidelines (Richards et al. 2015 PMID: 25741868, with internal and published modifications).

NM_001967.4(EIF4A2):c.24T>C (p.Tyr8=)

Gene: EIF4A2 (eukaryotic translation initiation factor 4A2; plus strand). Cytogenetic location: 3q27.3.
Variant type: single nucleotide variant.
Coding change: c.24T>C on transcript NM_001967.4 (MANE Select); coding-DNA position 24, T replaced by C.
Protein change: p.Tyr8=; no amino-acid change (tyrosine 8 retained).
Molecular consequence: synonymous variant.
Genome position (GRCh38, 1-based): chr3:186,783,634, T>C. VCF-style: chr3-186783634-T-C. GRCh37 (hg19) VCF-style: chr3-186501423-T-C.
Identifiers: ClinVar variation 3057523 (VCV003057523.3), dbSNP rs201090177, ClinGen allele CA2746676.